The following is an entry in ClinVar:

ClinVar aggregate classification (germline): Likely pathogenic. Review status: criteria provided, multiple submitters, no conflicts (2 of 4 stars). 2 submissions from 2 submitters: Likely pathogenic (2). Last evaluated 2024-05-02.

Conditions:
Cholestanol storage disease (CTX). Also called: CEREBRAL CHOLESTERINOSIS; Cerebrotendinous Xanthomatosis; CTX: Cerebrotendinous xanthomatosis. Identifiers: Orphanet 909, MedGen C0238052, MONDO:0008948, OMIM 213700.

gnomAD v4.1: 2 of 1,611,974 alleles (0.00012%); highest among the groups gnomAD compares: East Asian, 0.0045%; no homozygotes.

Submissions (2):

Fulgent Genetics
Classification: Likely pathogenic for Cholestanol storage disease. Last evaluated: 2024-05-02. Review status: criteria provided, single submitter. Criteria: ACMG Guidelines, 2015. Collection method: clinical testing. Allele origin: germline.

Natera, Inc.
Classification: Likely pathogenic for Cerebrotendinous xanthomatosis. Last evaluated: 2024-03-04. Review status: criteria provided, single submitter. Criteria: Natera Variant Classification Schema (03/2026). Collection method: clinical testing. Allele origin: germline.
Comment: The c.1004C>T variant in CYP27A1 is a missense variant predicted to cause substitution of alanine to valine at amino acid 335. This variant is rare in the general population with a frequency below the threshold expected for the associated phenotype(s). This variant has been observed in one or more individuals affected with the associated recessive disease, as either homozygous or compound heterozygous with a second variant (PMID: 25941960, 9186905, 28623566). Given the available evidence, this variant is classified as Likely Pathogenic.

Literature cited by the submitters: PubMed 25941960 (cited by Natera, Inc.); PubMed 9186905 (cited by Natera, Inc.); PubMed 28623566 (cited by Natera, Inc.).

NM_000784.4(CYP27A1):c.1004C>T (p.Ala335Val)

Gene: CYP27A1 (cytochrome P450 family 27 subfamily A member 1; plus strand). Cytogenetic location: 2q35.
Variant type: single nucleotide variant.
Coding change: c.1004C>T on transcript NM_000784.4 (MANE Select); coding-DNA position 1004, C replaced by T.
Protein change: p.Ala335Val; replaces alanine 335 with valine.
Molecular consequence: missense variant.
Genome position (GRCh38, 1-based): chr2:218,813,083, C>T. VCF-style: chr2-218813083-C-T. GRCh37 (hg19) VCF-style: chr2-219677806-C-T.
Other names: c.1004C>T (NM_000784.3); short protein forms A335V.
Identifiers: ClinVar variation 3585668 (VCV003585668.2).
Genomic context (GRCh38, chr2:218,813,083, plus strand): 5'-TGGCCAGTGGACAGCTCAGTCCTCGGGAGGCCATGGGCAGCCTGCCTGAGCTGCTCATGG[C>T]TGGAGTGGACACGGTGCGTGAAGGGGGAGGGTGAGACCAGGGGCCCCCAGCTCCCAACCT-3'
Protein context (NP_000775.1, residues 325-345): AMGSLPELLM[Ala335Val]GVDTTSNTLT